The following is an entry in ClinVar:

NM_001378454.1(ALMS1):c.793G>A (p.Glu265Lys)

Gene: ALMS1 (ALMS1 centrosome and basal body associated protein; plus strand). Cytogenetic location: 2p13.1.
Variant type: single nucleotide variant.
Coding change: c.793G>A on transcript NM_001378454.1 (MANE Select); coding-DNA position 793, G replaced by A.
Protein change: p.Glu265Lys; replaces glutamic acid 265 with lysine.
Molecular consequence: missense variant.
Genome position (GRCh38, 1-based): chr2:73,424,458, G>A. VCF-style: chr2-73424458-G-A. GRCh37 (hg19) VCF-style: chr2-73651586-G-A.
Other names: c.796G>A, p.Glu266Lys (NM_015120.4); short protein forms E265K, E266K.
Identifiers: ClinVar variation 2416639 (VCV002416639.5), dbSNP rs747443620, ClinGen allele CA347260439.

ClinVar aggregate classification (germline): Uncertain significance. Review status: criteria provided, multiple submitters, no conflicts (2 of 4 stars). 2 submissions from 2 submitters: Uncertain significance (2). Last evaluated 2025-07-24.

Conditions:
Alstrom syndrome (ALMS). Identifiers: Orphanet 64, MedGen C0268425, MONDO:0008763, OMIM 203800.

Allele frequency attached by ClinVar (database versions not stated): TOPMed 0.00001.
gnomAD v4.1: 6 of 1,598,340 alleles (0.00038%); highest among the groups gnomAD compares: Non-Finnish European, 0.00034%; 1 homozygote.

Submissions (2):

Labcorp Genetics (formerly Invitae), Labcorp
Classification: Uncertain significance for Alstrom syndrome. Last evaluated: 2025-07-24. Review status: criteria provided, single submitter. Criteria: Invitae Variant Classification Sherloc (09022015). Collection method: clinical testing. Allele origin: germline.
Comment: This sequence change replaces glutamic acid, which is acidic and polar, with lysine, which is basic and polar, at codon 266 of the ALMS1 protein (p.Glu266Lys). The frequency data for this variant in the population databases is considered unreliable, as metrics indicate poor data quality at this position in the gnomAD database. This variant has not been reported in the literature in individuals affected with ALMS1-related conditions. ClinVar contains an entry for this variant (Variation ID: 2416639). Experimental studies and prediction algorithms are not available or were not evaluated, and the functional significance of this variant is currently unknown. In summary, the available evidence is currently insufficient to determine the role of this variant in disease. Therefore, it has been classified as a Variant of Uncertain Significance.

Blueprint Genetics
Classification: Uncertain significance. Last evaluated: 2024-03-07. Review status: criteria provided, single submitter. Criteria: ACMG Guidelines, 2015. Collection method: clinical testing. Allele origin: germline.